The following is an entry in ClinVar:

ClinVar aggregate classification (germline): Pathogenic/Likely pathogenic. Review status: criteria provided, multiple submitters, no conflicts (2 of 4 stars). 2 submissions from 2 submitters: Pathogenic (1); Likely pathogenic (1). Last evaluated 2022-03-01.

Conditions:
ABCA4-related disorder. Also called: ABCA4-related condition; ABCA4-related disorders. Identifiers: MedGen CN239167.

Allele frequency attached by ClinVar (database versions not stated): gnomAD 0.00001.
gnomAD v4.1: 1 of 1,614,098 alleles (0.000062%); highest among the groups gnomAD compares: African/African-American, 0.0013%; no homozygotes.

Submissions (2):

Labcorp Genetics (formerly Invitae), Labcorp
Classification: Pathogenic. Last evaluated: 2022-03-01. Review status: criteria provided, single submitter. Criteria: Invitae Variant Classification Sherloc (09022015). Collection method: clinical testing. Allele origin: germline.
Comment: For these reasons, this variant has been classified as Pathogenic. Algorithms developed to predict the effect of sequence changes on RNA splicing suggest that this variant may disrupt the consensus splice site. ClinVar contains an entry for this variant (Variation ID: 867161). Disruption of this splice site has been observed in individuals with clinical features of inherited retinal dystrophy and Stargardt disease (PMID: 10958763, 26593885, 31968401). It has also been observed to segregate with disease in related individuals. This variant is present in population databases (no rsID available, gnomAD 0.01%). This sequence change affects a donor splice site in intron 38 of the ABCA4 gene. It is expected to disrupt RNA splicing. Variants that disrupt the donor or acceptor splice site typically lead to a loss of protein function (PMID: 16199547), and loss-of-function variants in ABCA4 are known to be pathogenic (PMID: 10958761, 24938718, 25312043, 26780318).

Blueprint Genetics
Classification: Likely pathogenic for ABCA4-related disorders. Last evaluated: 2019-05-21. Review status: criteria provided, single submitter. Criteria: ACMG Guidelines, 2015. Collection method: clinical testing. Allele origin: germline. Affected: yes. Observed: 2 variant alleles.

Literature cited by the submitters: PubMed 10958763 (cited by Labcorp Genetics (formerly Invitae), Labcorp); PubMed 26593885 (cited by Labcorp Genetics (formerly Invitae), Labcorp); PubMed 31968401 (cited by Labcorp Genetics (formerly Invitae), Labcorp); PubMed 16199547 (cited by Labcorp Genetics (formerly Invitae), Labcorp); PubMed 10958761 (cited by Labcorp Genetics (formerly Invitae), Labcorp); PubMed 24938718 (cited by Labcorp Genetics (formerly Invitae), Labcorp); PubMed 25312043 (cited by Labcorp Genetics (formerly Invitae), Labcorp); PubMed 26780318 (cited by Labcorp Genetics (formerly Invitae), Labcorp).

NM_000350.3(ABCA4):c.5460+1G>T

Gene: ABCA4 (ATP binding cassette subfamily A member 4; minus strand). Cytogenetic location: 1p22.1.
Variant type: single nucleotide variant.
Coding change: c.5460+1G>T on transcript NM_000350.3 (MANE Select); the canonical splice donor site of the intron after coding-DNA position 5460, G replaced by T.
Molecular consequence: splice donor variant.
Genome position (GRCh38, 1-based): chr1:94,014,542, C>A on the plus strand (G>T on the coding strand, the complement: ABCA4 is on the minus strand). VCF-style: chr1-94014542-C-A. GRCh37 (hg19) VCF-style: chr1-94480098-C-A.
Identifiers: ClinVar variation 867161 (VCV000867161.11), dbSNP rs61753030, ClinGen allele CA341281220.